The following is an entry in ClinVar:

ClinVar aggregate classification (germline): Likely benign. Review status: criteria provided, multiple submitters, no conflicts (2 of 4 stars). 2 submissions from 2 submitters: Likely benign (2). Last evaluated 2025-11-22.

Conditions:
FAM20C-related disorder. Also called: FAM20C-related condition.

Allele frequency attached by ClinVar (database versions not stated): gnomAD exomes 0.00008 and 0.00016; ExAC 0.00012; 1000 Genomes Project 30x 0.00016; 1000 Genomes Project 0.00020; gnomAD 0.00036 and 0.00039; TOPMed 0.00041; ESP Exome Variant Server 0.00044.
gnomAD v4.1: 171 of 1,536,394 alleles (0.011%); highest among the groups gnomAD compares: African/African-American, 0.12%; no homozygotes.

Submissions (2):

PreventionGenetics, part of Exact Sciences
Classification: Likely benign for FAM20C-related condition. Last evaluated: 2025-11-22. Review status: criteria provided, single submitter. Criteria: ACMG Guidelines, 2015. Collection method: clinical testing. Allele origin: germline.
Comment: This variant is classified as likely benign based on ACMG/AMP sequence variant interpretation guidelines (Richards et al. 2015 PMID: 25741868, with internal and published modifications).

Labcorp Genetics (formerly Invitae), Labcorp
Classification: Likely benign. Last evaluated: 2025-06-10. Review status: criteria provided, single submitter. Criteria: Invitae Variant Classification Sherloc (09022015). Collection method: clinical testing. Allele origin: germline.

NM_020223.4(FAM20C):c.1488G>A (p.Pro496=)

Gene: FAM20C (FAM20C golgi associated secretory pathway kinase; plus strand). Cytogenetic location: 7p22.3.
Variant type: single nucleotide variant.
Coding change: c.1488G>A on transcript NM_020223.4 (MANE Select); coding-DNA position 1488, G replaced by A.
Protein change: p.Pro496=; no amino-acid change (proline 496 retained).
Molecular consequence: synonymous variant.
Genome position (GRCh38, 1-based): chr7:258,688, G>A. VCF-style: chr7-258688-G-A. GRCh37 (hg19) VCF-style: chr7-298654-G-A.
Identifiers: ClinVar variation 715002 (VCV000715002.11), dbSNP rs370400682, ClinGen allele CA4109186.